The following is an entry in ClinVar:

NM_000702.4(ATP1A2):c.1155C>A (p.Thr385=)

Gene: ATP1A2 (ATPase Na+/K+ transporting subunit alpha 2; plus strand). Cytogenetic location: 1q23.2.
Variant type: single nucleotide variant.
Coding change: c.1155C>A on transcript NM_000702.4 (MANE Select); coding-DNA position 1155, C replaced by A.
Protein change: p.Thr385=; no amino-acid change (threonine 385 retained).
Molecular consequence: synonymous variant.
Genome position (GRCh38, 1-based): chr1:160,128,789, C>A. VCF-style: chr1-160128789-C-A. GRCh37 (hg19) VCF-style: chr1-160098579-C-A.
Identifiers: ClinVar variation 379383 (VCV000379383.9), dbSNP rs759207376, ClinGen allele CA16603478.

ClinVar aggregate classification (germline): Likely benign. Review status: criteria provided, multiple submitters, no conflicts (2 of 4 stars). 2 submissions from 2 submitters: Likely benign (2). Last evaluated 2020-03-17.

Conditions:
Familial hemiplegic migraine. Identifiers: MedGen C0338484, MONDO:0000700.

Submissions (2):

Labcorp Genetics (formerly Invitae), Labcorp
Classification: Likely benign for Familial hemiplegic migraine. Last evaluated: 2020-03-17. Review status: criteria provided, single submitter. Criteria: Invitae Variant Classification Sherloc (09022015). Collection method: clinical testing. Allele origin: germline.

GeneDx
Classification: Likely benign. Last evaluated: 2016-03-18. Review status: criteria provided, single submitter. Criteria: GeneDx Variant Classification (06012015). Collection method: clinical testing. Allele origin: germline. Affected: yes.
Comment: This variant is considered likely benign or benign based on one or more of the following criteria: it is a conservative change, it occurs at a poorly conserved position in the protein, it is predicted to be benign by multiple in silico algorithms, and/or has population frequency not consistent with disease.